The following is an entry in ClinVar:

NM_025152.3(NUBPL):c.*312G>A

Gene: NUBPL (NUBP iron-sulfur cluster assembly factor, mitochondrial; plus strand). Cytogenetic location: 14q12.
Variant type: single nucleotide variant.
Coding change: c.*312G>A on transcript NM_025152.3 (MANE Select); 312 bases downstream of the stop codon, G replaced by A.
Molecular consequence: 3 prime UTR variant. On other transcripts: non-coding transcript variant (1).
Genome position (GRCh38, 1-based): chr14:31,859,492, G>A. VCF-style: chr14-31859492-G-A. GRCh37 (hg19) VCF-style: chr14-32328698-G-A.
Other names: c.*312G>A (NM_001201573.2, NM_001201574.2).
Identifiers: ClinVar variation 313036 (VCV000313036.6), dbSNP rs10162516, ClinGen allele CA10645198.

ClinVar aggregate classification (germline): Benign. Review status: criteria provided, multiple submitters, no conflicts (2 of 4 stars). 2 submissions from 2 submitters: Benign (2). Last evaluated 2018-01-13.

Conditions:
Mitochondrial complex I deficiency, nuclear type 1. Also called: NADH-COENZYME Q REDUCTASE DEFICIENCY; MITOCHONDRIAL NADH DEHYDROGENASE COMPONENT OF COMPLEX I, DEFICIENCY OF. Identifiers: MedGen C6022305, MONDO:0100224, OMIM 252010.

Allele frequency attached by ClinVar (database versions not stated): gnomAD exomes 0.04225; gnomAD 0.21456 and 0.22998; 1000 Genomes Project 0.23383; TOPMed 0.24148; 1000 Genomes Project 30x 0.24641.
gnomAD v4.1: 42,695 of 386,860 alleles (11%); highest among the groups gnomAD compares: African/African-American, 69%; 11,848 homozygotes.

Submissions (2):

Illumina Laboratory Services, Illumina
Classification: Benign for Mitochondrial complex I deficiency, nuclear type 1. Last evaluated: 2018-01-13. Review status: criteria provided, single submitter. Criteria: ICSL Variant Classification Criteria 13 December 2019. Collection method: clinical testing. Allele origin: germline.
Comment: This variant was observed in the ICSL laboratory as part of a predisposition screen in an ostensibly healthy population. It had not been previously curated by ICSL or reported in the Human Gene Mutation Database (HGMD: prior to June 1st, 2018), and was therefore a candidate for classification through an automated scoring system. Utilizing variant allele frequency, disease prevalence and penetrance estimates, and inheritance mode, an automated score was calculated to assess if this variant is too frequent to cause the disease. Based on the score and internal cut-off values, a variant classified as benign is not then subjected to further curation. The score for this variant resulted in a classification of benign for this disease.

Breakthrough Genomics
Classification: Benign. Review status: criteria provided, single submitter. Criteria: ACMG Guidelines, 2015. Collection method: not provided. Allele origin: germline. Inheritance: Autosomal recessive inheritance. Affected: yes.